The following is an entry in ClinVar:

NM_001211.6(BUB1B):c.809G>T (p.Ser270Ile)

Gene: BUB1B (BUB1 mitotic checkpoint serine/threonine kinase B; plus strand). Cytogenetic location: 15q15.1.
Variant type: single nucleotide variant.
Coding change: c.809G>T on transcript NM_001211.6 (MANE Select); coding-DNA position 809, G replaced by T.
Protein change: p.Ser270Ile; replaces serine 270 with isoleucine.
Molecular consequence: missense variant.
Genome position (GRCh38, 1-based): chr15:40,185,222, G>T. VCF-style: chr15-40185222-G-T. GRCh37 (hg19) VCF-style: chr15-40477423-G-T.
Other names: short protein forms S270I.
Identifiers: ClinVar variation 1761984 (VCV001761984.2), dbSNP rs2542535390, ClinGen allele CA391684100.

ClinVar aggregate classification (germline): Uncertain significance (1 of 4 stars; one submission).

Conditions:
Inborn genetic diseases. Identifiers: MedGen C0950123, MeSH D030342.

Allele frequency attached by ClinVar (database versions not stated): gnomAD exomes below 0.00001.
gnomAD v4.1: 1 of 1,614,154 alleles (0.000062%); highest among the groups gnomAD compares: East Asian, 0.0022%; no homozygotes.

Submission:

Ambry Genetics
Classification: Uncertain significance for Inborn genetic diseases. Last evaluated: 2021-07-09. Review status: criteria provided, single submitter. Criteria: Ambry Variant Classification Scheme 2023. Collection method: clinical testing. Allele origin: germline.
Comment: The p.S270I variant (also known as c.809G>T), located in coding exon 7 of the BUB1B gene, results from a G to T substitution at nucleotide position 809. The serine at codon 270 is replaced by isoleucine, an amino acid with dissimilar properties. This amino acid position is conserved. In addition, this alteration is predicted to be tolerated by in silico analysis. Since supporting evidence is limited at this time, the clinical significance of this alteration remains unclear.